The following is an entry in ClinVar:

NM_000158.4(GBE1):c.169A>T (p.Lys57Ter)

Gene: GBE1 (1,4-alpha-glucan branching enzyme 1; minus strand). Cytogenetic location: 3p12.2.
Variant type: single nucleotide variant.
Coding change: c.169A>T on transcript NM_000158.4 (MANE Select); coding-DNA position 169, A replaced by T.
Protein change: p.Lys57Ter; replaces lysine 57 with a stop codon.
Molecular consequence: nonsense.
Genome position (GRCh38, 1-based): chr3:81,705,588, T>A on the plus strand (A>T on the coding strand, the complement: GBE1 is on the minus strand). VCF-style: chr3-81705588-T-A. GRCh37 (hg19) VCF-style: chr3-81754739-T-A.
Other names: short protein forms K57*.
Identifiers: ClinVar variation 2004612 (VCV002004612.4), dbSNP rs772910188, ClinGen allele CA353687914.

ClinVar aggregate classification (germline): Pathogenic (1 of 4 stars; one submission).

Conditions:
Glycogen storage disease IV, classic hepatic. Also called: GSD IV, CLASSIC HEPATIC. Identifiers: MedGen C1856301.
Glycogen storage disease, type IV (GSD4). Also called: Glycogen storage disease due to glycogen branching enzyme deficiency; BRANCHER DEFICIENCY; AMYLOPECTINOSIS; ANDERSEN DISEASE; CIRRHOSIS, FAMILIAL, WITH DEPOSITION OF ABNORMAL GLYCOGEN; GBE1 DEFICIENCY. Identifiers: Orphanet 367, MedGen C0017923, MONDO:0009292, OMIM 232500.

Submission:

Labcorp Genetics (formerly Invitae), Labcorp
Classification: Pathogenic for Glycogen storage disease, type IV; Glycogen storage disease IV, classic hepatic. Last evaluated: 2025-01-26. Review status: criteria provided, single submitter. Criteria: Invitae Variant Classification Sherloc (09022015). Collection method: clinical testing. Allele origin: germline.
Comment: This sequence change creates a premature translational stop signal (p.Lys57*) in the GBE1 gene. It is expected to result in an absent or disrupted protein product. Loss-of-function variants in GBE1 are known to be pathogenic (PMID: 15452297, 20058079). This variant is not present in population databases (gnomAD no frequency). This variant has not been reported in the literature in individuals affected with GBE1-related conditions. ClinVar contains an entry for this variant (Variation ID: 2004612). For these reasons, this variant has been classified as Pathogenic.

Literature cited by the submitters: PubMed 15452297; PubMed 20058079.